The following is an entry in ClinVar:

ClinVar aggregate classification (germline): Likely pathogenic. Review status: criteria provided, multiple submitters, no conflicts (2 of 4 stars). 2 submissions from 2 submitters: Likely pathogenic (2). Last evaluated 2022-06-23.

Conditions:
Marfan syndrome (MFS). Also called: FBN1-Related Marfan Syndrome; Marfan syndrome, classic; MARFAN SYNDROME, TYPE I; Marfan syndrome type 1; Marfan's syndrome. Identifiers: Orphanet 284963, Orphanet 558, MedGen C0024796, MONDO:0007947, OMIM 154700.
Familial thoracic aortic aneurysm and aortic dissection (TAAD). Also called: Thoracic aortic aneurysms and dissections. Identifiers: Orphanet 91387, MedGen C4707243, MONDO:0019625.

Submissions (2):

Labcorp Genetics (formerly Invitae), Labcorp
Classification: Likely pathogenic for Marfan syndrome; Familial thoracic aortic aneurysm and aortic dissection. Last evaluated: 2022-06-23. Review status: criteria provided, single submitter. Criteria: Invitae Variant Classification Sherloc (09022015). Collection method: clinical testing. Allele origin: germline.
Comment: In summary, the currently available evidence indicates that the variant is pathogenic, but additional data are needed to prove that conclusively. Therefore, this variant has been classified as Likely Pathogenic. This variant affects a cysteine residue in the EGF-like, TGFBP or hybrid motif domains of FBN1. Cysteine residues are believed to be involved in intramolecular disulfide bridges and have been shown to be important for FBN1 protein structure (PMID: 16905551, 19349279). In addition, missense substitutions affecting cysteine residues within these domains are significantly overrepresented among patients with Marfan syndrome (PMID: 16571647, 17701892). Advanced modeling of protein sequence and biophysical properties (such as structural, functional, and spatial information, amino acid conservation, physicochemical variation, residue mobility, and thermodynamic stability) performed at Invitae indicates that this missense variant is expected to disrupt FBN1 protein function. ClinVar contains an entry for this variant (Variation ID: 807244). This variant has not been reported in the literature in individuals affected with FBN1-related conditions. This variant is not present in population databases (gnomAD no frequency). This sequence change replaces cysteine, which is neutral and slightly polar, with arginine, which is basic and polar, at codon 1720 of the FBN1 protein (p.Cys1720Arg).

CeGaT Center for Human Genetics Tuebingen
Classification: Likely pathogenic. Last evaluated: 2018-12-01. Review status: criteria provided, single submitter. Criteria: CeGaT Center For Human Genetics Tuebingen Variant Classification Criteria Version 2. Collection method: clinical testing. Allele origin: germline. Affected: yes. Observed: 1 variant allele.

Literature cited by the submitters: PubMed 16905551 (cited by Labcorp Genetics (formerly Invitae), Labcorp); PubMed 19349279 (cited by Labcorp Genetics (formerly Invitae), Labcorp); PubMed 16571647 (cited by Labcorp Genetics (formerly Invitae), Labcorp); PubMed 17701892 (cited by Labcorp Genetics (formerly Invitae), Labcorp).

NM_000138.5(FBN1):c.5158T>C (p.Cys1720Arg)

Gene: FBN1 (fibrillin 1; minus strand). Cytogenetic location: 15q21.1.
Variant type: single nucleotide variant.
Coding change: c.5158T>C on transcript NM_000138.5 (MANE Select); coding-DNA position 5158, T replaced by C.
Protein change: p.Cys1720Arg; replaces cysteine 1720 with arginine.
Molecular consequence: missense variant.
Genome position (GRCh38, 1-based): chr15:48,463,148, A>G on the plus strand (T>C on the coding strand, the complement: FBN1 is on the minus strand). VCF-style: chr15-48463148-A-G. GRCh37 (hg19) VCF-style: chr15-48755345-A-G.
Other names: short protein forms C1720R.
Identifiers: ClinVar variation 807244 (VCV000807244.46), dbSNP rs1597545230, ClinGen allele CA392349174.
Genomic context (GRCh38, chr15:48,463,148, plus strand): 5'-TTGGGATGGGACACTGTTCACAGGGCTTGTTCCACGCCCGGCCAATGTTGTAGGAACAGC[A>G]GCACATCTTCTTGGTCATGTTGAATAACAATTCTCCATCACAGGTCTGGTTGTCAGCATA-3'
Protein context (NP_000129.3, residues 1710-1730): LLFNMTKKMC[Cys1720Arg]CSYNIGRAWN